The following is an entry in ClinVar:

ClinVar aggregate classification (germline): Pathogenic (1 of 4 stars; one submission).

Conditions:
DIP2B-related neurodevelopmental disorder.

Submission:

Schrauwen Lab, The University of Arizona College of Medicine Phoenix
Classification: Pathogenic for DIP2B-related neurodevelopmental disorder. Last evaluated: 2026-04-09. Review status: criteria provided, single submitter. Criteria: ACMG Guidelines, 2015. Collection method: research. Allele origin: de novo. Affected: yes.
Comment: Very low frequency in population databases, predicted protein truncating nonsense mediated decay, leading to neurodevelopmental disorder, confirmed de novo heterozygous, found via clinical whole exome sequencing and confirmed with Sanger sequencing

NM_173602.3(DIP2B):c.883_884delinsA (p.Phe295fs)

Gene: DIP2B (DIP2 acetate--CoA ligase B (putative); plus strand). Cytogenetic location: 12q13.12.
Variant type: Indel.
Coding change: c.883_884delinsA on transcript NM_173602.3 (MANE Select); coding-DNA positions 883 to 884, TT replaced by A.
Protein change: p.Phe295fs; shifts the reading frame from phenylalanine 295.
Molecular consequence: frameshift variant.
Genome position (GRCh38, 1-based): chr12:50,675,415-50,675,416, TT replaced by A. VCF-style: chr12-50675415-TT-A. GRCh37 (hg19) VCF-style: chr12-51069198-TT-A.
Other names: short protein forms F295fs.
Identifiers: ClinVar variation 4820109 (VCV004820109.1).